The following is an entry in ClinVar:

ClinVar aggregate classification (germline): Uncertain significance. Review status: criteria provided, multiple submitters, no conflicts (2 of 4 stars). 2 submissions from 2 submitters: Uncertain significance (2). Last evaluated 2025-10-29.

Conditions:
Inborn genetic diseases. Identifiers: MedGen C0950123, MeSH D030342.

gnomAD v4.1: 71 of 1,614,006 alleles (0.0044%); highest among the groups gnomAD compares: South Asian, 0.074%; 1 homozygote.

Submissions (2):

Ambry Genetics
Classification: Uncertain significance for Inborn genetic diseases. Last evaluated: 2025-10-29. Review status: criteria provided, single submitter. Criteria: Ambry Variant Classification Scheme 2023. Collection method: clinical testing. Allele origin: germline.

Labcorp Genetics (formerly Invitae), Labcorp
Classification: Uncertain significance. Last evaluated: 2025-03-23. Review status: criteria provided, single submitter. Criteria: Invitae Variant Classification Sherloc (09022015). Collection method: clinical testing. Allele origin: germline.
Comment: This sequence change replaces glutamine, which is neutral and polar, with histidine, which is basic and polar, at codon 470 of the FOCAD protein (p.Gln470His). This variant is present in population databases (rs777494737, gnomAD 0.07%), and has an allele count higher than expected for a pathogenic variant. This variant has not been reported in the literature in individuals affected with FOCAD-related conditions. Experimental studies and prediction algorithms are not available or were not evaluated, and the functional significance of this variant is currently unknown. In summary, the available evidence is currently insufficient to determine the role of this variant in disease. Therefore, it has been classified as a Variant of Uncertain Significance.

NM_001375567.1(FOCAD):c.1410A>C (p.Gln470His)

Gene: FOCAD (focadhesin; plus strand). Cytogenetic location: 9p21.3.
Variant type: single nucleotide variant.
Coding change: c.1410A>C on transcript NM_001375567.1 (MANE Select); coding-DNA position 1410, A replaced by C.
Protein change: p.Gln470His; replaces glutamine 470 with histidine.
Molecular consequence: missense variant.
Genome position (GRCh38, 1-based): chr9:20,789,563, A>C. VCF-style: chr9-20789563-A-C. GRCh37 (hg19) VCF-style: chr9-20789562-A-C.
Other names: c.1410A>C, p.Gln470His (NM_001375568.1, NM_017794.5); c.1305A>C, p.Gln435His (NM_001375570.1); short protein forms Q470H, Q435H.
Identifiers: ClinVar variation 4620167 (VCV004620167.2).
Genomic context (GRCh38, chr9:20,789,563, plus strand): 5'-GCCTGCCTTTCTTCTGCTGGCTCACCTCCTTGTTGAAGACAAAGGACAAAATCTTCACCA[A>C]ATACTCAAGGTCACTACAGAATTAGCCCAAGCAGATTCCTCCCAGGTAAAGCAAGAGAAT-3'
Protein context (NP_001362496.1, residues 460-480): LVEDKGQNLH[Gln470His]ILKVTTELAQ